The following is an entry in ClinVar:

NM_016239.4(MYO15A):c.4769A>G (p.Tyr1590Cys)

Gene: MYO15A (myosin XVA; plus strand). Cytogenetic location: 17p11.2.
Variant type: single nucleotide variant.
Coding change: c.4769A>G on transcript NM_016239.4 (MANE Select); coding-DNA position 4769, A replaced by G.
Protein change: p.Tyr1590Cys; replaces tyrosine 1590 with cysteine.
Molecular consequence: missense variant.
Genome position (GRCh38, 1-based): chr17:18,136,676, A>G. VCF-style: chr17-18136676-A-G. GRCh37 (hg19) VCF-style: chr17-18039990-A-G.
Other names: short protein forms Y1590C.
Identifiers: ClinVar variation 228956 (VCV000228956.19), dbSNP rs191828237, ClinGen allele CA8424021.

ClinVar aggregate classification (germline): Conflicting classifications of pathogenicity. Review status: criteria provided, conflicting classifications (1 of 4 stars). 6 submissions from 6 submitters: Likely pathogenic (1); Uncertain significance (5). Last evaluated 2026-09-24.

Conditions:
Inborn genetic diseases. Identifiers: MedGen C0950123, MeSH D030342.
Autosomal recessive nonsyndromic hearing loss 3. Also called: NEUROSENSORY NONSYNDROMIC RECESSIVE DEAFNESS 3. Identifiers: Orphanet 90636, MedGen C1838263, MONDO:0010860, OMIM 600316.

Allele frequency attached by ClinVar (database versions not stated): TOPMed 0.00013; ESP Exome Variant Server 0.00016; gnomAD exomes 0.00017 and 0.00010; gnomAD 0.00006 and 0.00007; ExAC 0.00014; 1000 Genomes Project 0.00020; 1000 Genomes Project 30x 0.00016.
gnomAD v4.1: 281 of 1,607,158 alleles (0.017%); highest among the groups gnomAD compares: Non-Finnish European, 0.02%; no homozygotes.

Submissions (6):

GeneDx
Classification: Uncertain significance. Last evaluated: 2026-09-24. Review status: criteria provided, single submitter. Criteria: GeneDx Variant Classification Process June 2021. Collection method: clinical testing. Allele origin: germline.
Comment: In silico analysis supports that this missense variant has a deleterious effect on protein structure/function; Has not been previously published as pathogenic or benign to our knowledge

Labcorp Genetics (formerly Invitae), Labcorp
Classification: Likely pathogenic. Last evaluated: 2025-11-08. Review status: criteria provided, single submitter. Criteria: Invitae Variant Classification Sherloc (09022015). Collection method: clinical testing. Allele origin: germline.
Comment: This sequence change replaces tyrosine, which is neutral and polar, with cysteine, which is neutral and slightly polar, at codon 1590 of the MYO15A protein (p.Tyr1590Cys). This variant is present in population databases (rs191828237, gnomAD 0.02%). This missense change has been observed in individual(s) with deafness (internal data). In at least one individual the data is consistent with being in trans (on the opposite chromosome) from a pathogenic variant. ClinVar contains an entry for this variant (Variation ID: 228956). Invitae Evidence Modeling of protein sequence and biophysical properties (such as structural, functional, and spatial information, amino acid conservation, physicochemical variation, residue mobility, and thermodynamic stability) indicates that this missense variant is expected to disrupt MYO15A protein function with a positive predictive value of 95%. In summary, the currently available evidence indicates that the variant is pathogenic, but additional data are needed to prove that conclusively. Therefore, this variant has been classified as Likely Pathogenic.

Blueprint Genetics
Classification: Uncertain significance. Last evaluated: 2024-10-17. Review status: criteria provided, single submitter. Criteria: ACMG Guidelines, 2015. Collection method: clinical testing. Allele origin: germline.

Ambry Genetics
Classification: Uncertain significance for Inborn genetic diseases. Last evaluated: 2022-12-19. Review status: criteria provided, single submitter. Criteria: Ambry Variant Classification Scheme 2023. Collection method: clinical testing. Allele origin: germline.

Illumina Laboratory Services, Illumina
Classification: Uncertain significance for Autosomal recessive nonsyndromic hearing loss 3. Last evaluated: 2018-01-12. Review status: criteria provided, single submitter. Criteria: ICSL Variant Classification Criteria 13 December 2019. Collection method: clinical testing. Allele origin: germline.

Laboratory for Molecular Medicine, Mass General Brigham Personalized Medicine
Classification: Uncertain significance. Last evaluated: 2015-05-21. Review status: criteria provided, single submitter. Criteria: LMM Criteria. Collection method: clinical testing. Allele origin: germline. Observed: 1 variant allele.
Comment: The p.Tyr1590Cys variant in MYO15A has not been previously reported in individua ls with hearing loss, but has been identified in 10/43692 European chromosomes b y the Exome Aggregation Consortium (ExAC; dbSNP rs191828237). Although this variant has been seen in the general population, it s frequency is not high enough to rule out a pathogenic role. Computational pred iction tools and conservation analysis suggest that the p.Tyr1590Cys variant may impact the protein, though this information is not predictive enough to determi ne pathogenicity. In summary, the clinical significance of the p.Tyr1590Cys vari ant is uncertain.